The following is an entry in ClinVar:

NM_000059.4(BRCA2):c.8370_8371delinsATATACCAGCTGGTATACATATACAAATACCAAGTTTGGT (p.Lys2791fs)

Gene: BRCA2 (BRCA2 DNA repair associated; plus strand). Cytogenetic location: 13q13.1.
Variant type: Indel.
Coding change: c.8370_8371delinsATATACCAGCTGGTATACATATACAAATACCAAGTTTGGT on transcript NM_000059.4 (MANE Select); coding-DNA positions 8370 to 8371, the reference bases replaced by an inserted sequence.
Protein change: p.Lys2791fs; shifts the reading frame from lysine 2791.
Molecular consequence: frameshift variant. On other transcripts: non-coding transcript variant (1).
Genome position (GRCh38, 1-based): chr13:32,370,440-32,370,441, 2 bases replaced. GRCh37 (hg19): chr13:32,944,577-32,944,578.
Other names: c.8274_8275delinsATATACCAGCTGGTATACATATACAAATACCAAGTTTGGT, p.Lys2759fs (NM_001406719.1); c.8370_8371delinsATATACCAGCTGGTATACATATACAAATACCAAGTTTGGT, p.Lys2791fs (NM_001406720.1); c.3438_3439delinsATATACCAGCTGGTATACATATACAAATACCAAGTTTGGT, p.Lys1147fs (NM_001406721.1); c.1953_1954delinsATATACCAGCTGGTATACATATACAAATACCAAGTTTGGT, p.Lys652fs (NM_001406722.1); short protein forms K1147fs, K2759fs, K2791fs, K652fs.
Identifiers: ClinVar variation 2872872 (VCV002872872.5), dbSNP rs2548550008, ClinGen allele CA2739277517.
Genomic context (GRCh38, chr13:32,370,440, plus strand): 5'-ATATATTTATTAATTTGTCCAGATTTCTGCTAACAGTACTCGGCCTGCTCGCTGGTATAC[CA>ATATACCAGCTGGTATACATATACAAATACCAAGTTTGGT]AACTTGGATTCTTTCCTGACCCTAGACCTTTTCCTCTGCCCTTATCATCGCTTTTCAGTG-3'

ClinVar aggregate classification (germline): Pathogenic. Review status: criteria provided, multiple submitters, no conflicts (2 of 4 stars). 3 submissions from 3 submitters: Pathogenic (3). Last evaluated 2025-10-08.

Conditions:
Breast-ovarian cancer, familial, susceptibility to, 2 (BROVCA2). Also called: BRCA2 Hereditary Breast and Ovarian Cancer. Identifiers: Orphanet 145, MedGen C2675520, MONDO:0012933, OMIM 612555. Disease mechanism: loss of function.
Hereditary breast ovarian cancer syndrome. Also called: Breast and ovarian cancer; Hereditary breast and/or ovarian cancer syndrome; Hereditary breast and ovarian cancer syndrome; Hereditary breast and ovarian cancer syndrome (HBOC); BRCA1- and BRCA2-Associated Hereditary Breast and Ovarian Cancer; Hereditary breast and ovarian cancer. Identifiers: Orphanet 145, MedGen C0677776, MeSH D061325, MONDO:0003582. Disease mechanism: loss of function.
Hereditary cancer-predisposing syndrome. Also called: Hereditary Cancer Syndrome; Hereditary neoplastic syndrome; Neoplastic Syndromes, Hereditary; Tumor predisposition. Identifiers: Orphanet 140162, MedGen C0027672, MeSH D009386, MONDO:0015356.

Submissions (3):

Ambry Genetics
Classification: Pathogenic for Hereditary cancer-predisposing syndrome. Last evaluated: 2025-10-08. Review status: criteria provided, single submitter. Criteria: Ambry Variant Classification Scheme 2023. Collection method: clinical testing. Allele origin: germline.
Comment: The c.8370_8371delCAins40 variant, located in coding exon 18 of the BRCA2 gene, results from the deletion of two nucleotides and insertion of 40 nucleotides (ATATACCAGCTGGTATACATATACAAATACCAAGTTTGGT) causing a translational frameshift with a predicted alternate stop codon (p.K2791Yfs*43). This variant is considered to be rare based on population cohorts in the Genome Aggregation Database (gnomAD). This alteration is expected to result in loss of function by premature protein truncation or nonsense-mediated mRNA decay. As such, this alteration is interpreted as a disease-causing mutation.

Myriad Genetics, Inc.
Classification: Pathogenic for Breast-ovarian cancer, familial, susceptibility to, 2. Last evaluated: 2024-12-10. Review status: criteria provided, single submitter. Criteria: Myriad Autosomal Dominant, Autosomal Recessive and X-Linked Classification Criteria (2023). Collection method: clinical testing. Allele origin: unknown.
Comment: This variant is considered pathogenic. This variant creates a frameshift predicted to result in premature protein truncation.

Labcorp Genetics (formerly Invitae), Labcorp
Classification: Pathogenic for Hereditary breast ovarian cancer syndrome. Last evaluated: 2018-10-23. Review status: criteria provided, single submitter. Criteria: Invitae Variant Classification Sherloc (09022015). Collection method: clinical testing. Allele origin: germline.
Comment: For these reasons, this variant has been classified as Pathogenic. Loss-of-function variants in BRCA2 are known to be pathogenic (PMID: 20104584). This variant has not been reported in the literature in individuals with BRCA2-related disease. This variant is not present in population databases (ExAC no frequency). This sequence change creates a premature translational stop signal (p.Lys2791Tyrfs*43) in the BRCA2 gene. It is expected to result in an absent or disrupted protein product.

Literature cited by the submitters: PubMed 20104584 (cited by Labcorp Genetics (formerly Invitae), Labcorp).